The following is an entry in ClinVar:

NM_001267550.2(TTN):c.102428T>C (p.Met34143Thr)

Genes: TTN (titin; minus strand), TTN-AS1 (TTN antisense RNA 1; plus strand). Cytogenetic location: 2q31.2.
Variant type: single nucleotide variant.
Coding change: c.102428T>C on transcript NM_001267550.2 (MANE Select); coding-DNA position 102428, T replaced by C.
Protein change: p.Met34143Thr; replaces methionine 34143 with threonine.
Molecular consequence: missense variant.
Genome position (GRCh38, 1-based): chr2:178,534,187, A>G on the plus strand (T>C on the coding strand, the complement: TTN is on the minus strand). VCF-style: chr2-178534187-A-G. GRCh37 (hg19) VCF-style: chr2-179398914-A-G.
Other names: p.M32502T:ATG>ACG; c.97505T>C, p.Met32502Thr (NM_001256850.1); c.94724T>C, p.Met31575Thr (NM_133378.4); c.75233T>C, p.Met25078Thr (NM_003319.4); c.75608T>C, p.Met25203Thr (NM_133432.3); c.75809T>C, p.Met25270Thr (NM_133437.4); c.102428T>C (NM_001267550.1); short protein forms M34143T, M31575T, M32502T, M25078T, M25203T, M25270T.
Identifiers: ClinVar variation 47649 (VCV000047649.21), dbSNP rs397517786, ClinGen allele CA141597.

ClinVar aggregate classification (germline): Conflicting classifications of pathogenicity. Review status: criteria provided, conflicting classifications (1 of 4 stars). 12 submissions from 12 submitters: Uncertain significance (9); Likely benign (3). Last evaluated 2026-06-01.

Conditions:
TTN-related disorder. Also called: TTN-related condition; TTN-related disease; TTN-related disorders.
Dilated cardiomyopathy 1G (CMD1G). Identifiers: Orphanet 154, MedGen C1858763, MONDO:0011400, OMIM 604145.
Autosomal recessive limb-girdle muscular dystrophy type 2J (LGMDR10). Also called: Limb-girdle muscular dystrophy, type 2J; MUSCULAR DYSTROPHY, LIMB-GIRDLE, AUTOSOMAL RECESSIVE 10. Identifiers: Orphanet 140922, MedGen C1837342, MONDO:0012127, OMIM 608807.
Cardiovascular phenotype. Identifiers: MedGen CN230736.

Allele frequency attached by ClinVar (database versions not stated): ExAC 0.00007; gnomAD exomes 0.00008; gnomAD 0.00009; TOPMed 0.00010.
gnomAD v4.1: 196 of 1,613,820 alleles (0.012%); highest among the groups gnomAD compares: Middle Eastern, 0.016%; no homozygotes.

Submissions (12):

CeGaT Center for Human Genetics Tuebingen
Classification: Uncertain significance. Last evaluated: 2026-06-01. Review status: criteria provided, single submitter. Criteria: CeGaT Center For Human Genetics Tuebingen Variant Classification Criteria Version 2. Collection method: clinical testing. Allele origin: germline. Affected: yes. Observed: 1 variant allele.

Women's Health and Genetics/Laboratory Corporation of America, LabCorp
Classification: Uncertain significance. Last evaluated: 2026-05-28. Review status: criteria provided, single submitter. Criteria: LabCorp Variant Classification Summary - May 2015. Collection method: clinical testing. Allele origin: germline.
Comment: Variant summary: TTN c.94724T>C (p.Met31575Thr) results in a non-conservative amino acid change in the encoded protein sequence. Algorithms developed to predict the effect of missense changes on protein structure and function are either unavailable or do not agree on the potential impact of this missense change. The variant allele was found at a frequency of 7.6e-05 in 249040 control chromosomes (gnomAD). This frequency is not significantly higher than estimated for disease-causing variants in TTN, allowing no conclusion about variant significance. c.94724T>C has been observed in individuals affected with Dilated Cardiomyopathy (Pugh_2014, Prez-Serra_2024). These reports do not provide unequivocal conclusions about association of the variant with disease. To our knowledge, no experimental evidence demonstrating an impact on protein function has been reported. The following publications have been ascertained in the context of this evaluation (PMID: 38612618, 24503780). ClinVar contains an entry for this variant (Variation ID: 47649). Based on the evidence outlined above, the variant was classified as uncertain significance.

PreventionGenetics, part of Exact Sciences
Classification: Uncertain significance for TTN-related condition. Last evaluated: 2026-01-21. Review status: criteria provided, single submitter. Criteria: ACMG Guidelines, 2015. Collection method: clinical testing. Allele origin: germline.
Comment: The TTN c.102428T>C variant is predicted to result in the amino acid substitution p.Met34143Thr. This variant has been reported as a variant of uncertain significance in individuals with dilated cardiomyopathy (described as p.Met31575Thr in Table S1, Pugh et al. 2014. PubMed ID: 24503780; described as p.Met31575Thr, Pérez-Serra et al. 2024. PubMed ID: 38612618). This variant is reported in 0.013% of alleles in individuals of European (Non-Finnish) descent in gnomAD. Although we suspect that this variant may be benign, at this time, the clinical significance of this variant is uncertain due to the absence of conclusive functional and genetic evidence.

Molecular Diagnostic Laboratory for Inherited Cardiovascular Disease, Montreal Heart Institute
Classification: Likely benign. Last evaluated: 2025-04-09. Review status: criteria provided, single submitter. Criteria: ACMG Guidelines, 2015. Collection method: clinical testing. Allele origin: germline. Affected: no.

Blueprint Genetics
Classification: Likely benign. Last evaluated: 2024-11-17. Review status: criteria provided, single submitter. Criteria: ACMG Guidelines, 2015. Collection method: clinical testing. Allele origin: germline.

Athena Diagnostics
Classification: Uncertain significance. Last evaluated: 2024-05-23. Review status: criteria provided, single submitter. Criteria: Athena Diagnostics Criteria. Collection method: clinical testing. Allele origin: unknown.
Comment: Available data are insufficient to determine the clinical significance of the variant at this time. The frequency of this variant in the general population is uninformative in assessment of its pathogenicity. This variant has been identified in at least one individual with autosomal dominant dilated cardiomyopathy. Polyphen and MutationTaster predict this amino acid change may be benign.

Revvity Omics, Revvity
Classification: Uncertain significance. Last evaluated: 2023-11-17. Review status: criteria provided, single submitter. Criteria: ACMG Guidelines, 2015. Collection method: clinical testing. Allele origin: germline.

GeneDx
Classification: Likely benign. Last evaluated: 2020-12-03. Review status: criteria provided, single submitter. Criteria: GeneDx Variant Classification Process June 2021. Collection method: clinical testing. Allele origin: germline. Affected: yes.
Comment: This variant is associated with the following publications: (PMID: 24503780, 23861362)

Ambry Genetics
Classification: Uncertain significance for Cardiovascular phenotype. Last evaluated: 2019-09-23. Review status: criteria provided, single submitter. Criteria: Ambry Variant Classification Scheme 2023. Collection method: clinical testing. Allele origin: germline.
Comment: The p.M25078T variant (also known as c.75233T>C), located in coding exon 185 of the TTN gene, results from a T to C substitution at nucleotide position 75233. The methionine at codon 25078 is replaced by threonine, an amino acid with similar properties. This alteration (also described as NM_133378.4 c.94723T>C p.Met31575Thr) was reported in one individual with familial dilated cardiomyopathy (DCM) who also had variants in other cardiac-related genes (Pugh TJ et al. Genet. Med., 2014 Aug;16:601-8). This alteration has also been reported as a secondary cardiac variant in an exome cohort (Ng D et al. Circ Cardiovasc Genet, 2013 Aug;6:337-46). This amino acid position is not well conserved in available vertebrate species. In addition, this alteration is predicted to be tolerated by in silico analysis. Since supporting evidence is limited at this time, the clinical significance of this alteration remains unclear.

Labcorp Genetics (formerly Invitae), Labcorp
Classification: Uncertain significance for Dilated cardiomyopathy 1G; Autosomal recessive limb-girdle muscular dystrophy type 2J. Last evaluated: 2017-02-10. Review status: criteria provided, single submitter. Criteria: Invitae Variant Classification Sherloc (09022015). Collection method: clinical testing. Allele origin: germline.

Biesecker Lab/Clinical Genomics Section, National Institutes of Health
Classification: Uncertain significance. Last evaluated: 2013-06-24. Review status: criteria provided, single submitter. Criteria: Ng et al. (Circ Cardiovasc Genet. 2013). Collection method: research. Allele origin: unknown. Observed: 1 variant allele. Study: ClinSeq.
Comment: The study set was not selected for affection status in relation to any cancer. Pathogenicity categories were based on literature curation. See Pubmed ID:23861362 for details.

Medical sequencing

Laboratory for Molecular Medicine, Mass General Brigham Personalized Medicine
Classification: Uncertain significance. Last evaluated: 2012-06-11. Review status: criteria provided, single submitter. Criteria: LMM Criteria. Collection method: clinical testing. Allele origin: germline. Observed: 1 variant allele.
Comment: The Met31575Thr variant in TTN has not been reported in the literature nor previ ously identified by our laboratory. This variant has not been identified in larg e and broad populations by the NHLBI Exome Sequencing Project. Computational analyses (biochemical amino acid properties, con servation, AlignGVGD, PolyPhen2, and SIFT) do not provide strong support for or against an impact to the protein. Additional information is needed to fully asse ss the clinical significance of the Met31575Thr variant.

Literature cited by the submitters: PubMed 24503780 (cited by 3 submitters); PubMed 38612618 (cited by Women's Health and Genetics/Laboratory Corporation of America, LabCorp and Athena Diagnostics); PubMed 23861362 (cited by Athena Diagnostics and Ambry Genetics); PubMed 38691546 (cited by Athena Diagnostics).